The following is an entry in ClinVar:

ClinVar aggregate classification (germline): Uncertain significance. Review status: criteria provided, multiple submitters, no conflicts (2 of 4 stars). 3 submissions from 3 submitters: Uncertain significance (3). Last evaluated 2026-09-01.

Conditions:
Emery-Dreifuss muscular dystrophy 5, autosomal dominant (EDMD5). Also called: EMERY-DREIFUSS MUSCULAR DYSTROPHY 5. Identifiers: Orphanet 261, MedGen C2751805, MONDO:0013072, OMIM 612999.

Allele frequency attached by ClinVar (database versions not stated): gnomAD exomes below 0.00001; gnomAD 0.00003; TOPMed 0.00003.
gnomAD v4.1: 7 of 1,614,108 alleles (0.00043%); highest among the groups gnomAD compares: African/African-American, 0.0067%; no homozygotes.

Submissions (3):

CeGaT Center for Human Genetics Tuebingen
Classification: Uncertain significance. Last evaluated: 2026-09-01. Review status: criteria provided, single submitter. Criteria: CeGaT Center For Human Genetics Tuebingen Variant Classification Criteria Version 2. Collection method: clinical testing. Allele origin: germline. Affected: yes. Observed: 1 variant allele.

Labcorp Genetics (formerly Invitae), Labcorp
Classification: Uncertain significance for Emery-Dreifuss muscular dystrophy 5, autosomal dominant. Last evaluated: 2025-07-03. Review status: criteria provided, single submitter. Criteria: Invitae Variant Classification Sherloc (09022015). Collection method: clinical testing. Allele origin: germline.
Comment: This sequence change replaces cysteine, which is neutral and slightly polar, with tyrosine, which is neutral and polar, at codon 4911 of the SYNE2 protein (p.Cys4911Tyr). This variant is not present in population databases (gnomAD no frequency). This variant has not been reported in the literature in individuals affected with SYNE2-related conditions. ClinVar contains an entry for this variant (Variation ID: 2848194). An algorithm developed to predict the effect of missense changes on protein structure and function (PolyPhen-2) suggests that this variant is likely to be disruptive. In summary, the available evidence is currently insufficient to determine the role of this variant in disease. Therefore, it has been classified as a Variant of Uncertain Significance.

Ambry Genetics
Classification: Uncertain significance. Last evaluated: 2024-11-14. Review status: criteria provided, single submitter. Criteria: Ambry Variant Classification Scheme 2023. Collection method: clinical testing. Allele origin: germline.

NM_182914.3(SYNE2):c.14732G>A (p.Cys4911Tyr)

Gene: SYNE2 (spectrin repeat containing nuclear envelope protein 2; plus strand). Cytogenetic location: 14q23.2.
Variant type: single nucleotide variant.
Coding change: c.14732G>A on transcript NM_182914.3 (MANE Select); coding-DNA position 14732, G replaced by A.
Protein change: p.Cys4911Tyr; replaces cysteine 4911 with tyrosine.
Molecular consequence: missense variant.
Genome position (GRCh38, 1-based): chr14:64,137,872, G>A. VCF-style: chr14-64137872-G-A. GRCh37 (hg19) VCF-style: chr14-64604590-G-A.
Other names: c.14732G>A (NM_182914.2); c.14732G>A, p.Cys4911Tyr (NM_015180.6); short protein forms C4911Y.
Identifiers: ClinVar variation 2848194 (VCV002848194.5), dbSNP rs887230488, ClinGen allele CA261811070.